The following is an entry in ClinVar:

NM_021267.5(CERS1):c.30_38del (p.Thr11_Pro13del)

Genes: CERS1 (ceramide synthase 1; minus strand), GDF1 (growth differentiation factor 1; minus strand). Cytogenetic location: 19p13.11.
Variant type: Deletion.
Coding change: c.30_38del on transcript NM_021267.5 (MANE Select); coding-DNA positions 30 to 38, 9 bases deleted (GACGGGGCC; older notation c.30_38delGACGGGGCC).
Protein change: p.Thr11_Pro13del.
Molecular consequence: inframe deletion. On other transcripts: 5 prime UTR variant (4), intron variant (3).
Genome position (GRCh38, 1-based): chr19:18,896,035-18,896,043, GGCCCCGTC deleted on the plus strand (GACGGGGCC on the coding strand, the reverse complement: CERS1 is on the minus strand); deleting any 9 consecutive bases within chr19:18,896,035-18,896,050 gives the same sequence; the c. name uses the placement nearest the transcript's 3' end. VCF-style (leftmost placement, unchanged base first): chr19-18896034-GGGCCCCGTC-G. GRCh37 (hg19) VCF-style: chr19-19006843-GGGCCCCGTC-G.
Other names: c.30_38del, p.Thr11_Pro13del (NM_001387439.1, NM_001387440.1, NM_001387441.1 and 1 more transcripts); c.-499_-491del (NM_001387444.1); c.-446_-438del (NM_001387445.1); c.-873_-865del (NM_001387438.1); c.-1293_-1285del (NM_001492.6); c.-46+683_-46+691del (NM_001387443.1); c.-46+518_-46+526del (NM_001387442.1, NM_001290265.2).
Identifiers: ClinVar variation 1383944 (VCV001383944.6), dbSNP rs2056619121, ClinGen allele CA2326581137.

ClinVar aggregate classification (germline): Uncertain significance (1 of 4 stars; one submission).

Conditions:
Progressive myoclonic epilepsy type 8. Identifiers: Orphanet 424027, MedGen C5190825, MONDO:0014545, OMIM 616230.

Submission:

Labcorp Genetics (formerly Invitae), Labcorp
Classification: Uncertain significance for Progressive myoclonic epilepsy type 8. Last evaluated: 2025-01-06. Review status: criteria provided, single submitter. Criteria: Invitae Variant Classification Sherloc (09022015). Collection method: clinical testing. Allele origin: germline.
Comment: This variant, c.30_38del, results in the deletion of 3 amino acid(s) of the CERS1 protein (p.Thr11_Pro13del), but otherwise preserves the integrity of the reading frame. The frequency data for this variant in the population databases is considered unreliable, as metrics indicate insufficient coverage at this position in the gnomAD database. This variant has not been reported in the literature in individuals affected with CERS1-related conditions. ClinVar contains an entry for this variant (Variation ID: 1383944). Experimental studies and prediction algorithms are not available or were not evaluated, and the functional significance of this variant is currently unknown. In summary, the available evidence is currently insufficient to determine the role of this variant in disease. Therefore, it has been classified as a Variant of Uncertain Significance.